The following is an entry in ClinVar:

ClinVar aggregate classification (germline): Pathogenic/Likely pathogenic. Review status: criteria provided, multiple submitters, no conflicts (2 of 4 stars). 2 submissions from 2 submitters: Pathogenic (1); Likely pathogenic (1). Last evaluated 2023-06-06.

Conditions:
Hereditary breast ovarian cancer syndrome. Also called: Hereditary breast and/or ovarian cancer syndrome; Hereditary breast and ovarian cancer; Breast and ovarian cancer; Hereditary breast and ovarian cancer syndrome; Hereditary breast and ovarian cancer syndrome (HBOC); BRCA1- and BRCA2-Associated Hereditary Breast and Ovarian Cancer. Identifiers: Orphanet 145, MedGen C0677776, MeSH D061325, MONDO:0003582. Disease mechanism: loss of function.
Familial cancer of breast. Also called: Hereditary breast cancer; BREAST CANCER, FAMILIAL; hereditary breast carcinoma. Identifiers: Orphanet 227535, MedGen C0346153, MONDO:0016419, OMIM 114480. Disease mechanism: loss of function.

Submissions (2):

Myriad Genetics, Inc.
Classification: Pathogenic for Familial cancer of breast. Last evaluated: 2023-06-06. Review status: criteria provided, single submitter. Criteria: Myriad Autosomal Dominant, Autosomal Recessive and X-Linked Classification Criteria (2023). Collection method: clinical testing. Allele origin: unknown.
Comment: This variant is considered pathogenic. This variant creates a frameshift predicted to result in premature protein truncation.

Laboratory for Molecular Medicine, Mass General Brigham Personalized Medicine
Classification: Likely pathogenic for Hereditary breast ovarian cancer syndrome. Last evaluated: 2022-11-03. Review status: criteria provided, single submitter. Criteria: ACMG Guidelines, 2015. Collection method: clinical testing. Allele origin: germline.
Comment: The p.Ile780AsnfsX15 variant in BRIP1 has not been reported in individuals with breast and or ovarian cancer and was absent from large population databases. This variant is predicted to cause a frameshift, which alters the protein’s amino acid sequence beginning at position 780 and leads to a premature termination codon 15 amino acids downstream. This alteration is then predicted to lead to a truncated or absent protein. Loss of function of the BRIP1 gene is an established disease mechanism in autosomal dominant breast and ovariant cancer. In summary, although additional studies are required to fully establish its clinical significance, this variant meets criteria to be classified as likely pathogenic for autosomal dominant breast and ovarian cancer. ACMG/AMP Criteria applied: PVS1, PM2_Supporting.

NM_032043.3(BRIP1):c.2339_2340del (p.Ile780fs)

Gene: BRIP1 (BRCA1 interacting DNA helicase 1; minus strand). Cytogenetic location: 17q23.2.
Variant type: Deletion.
Coding change: c.2339_2340del on transcript NM_032043.3 (MANE Select); coding-DNA positions 2339 to 2340, 2 bases deleted (TA; older notation c.2339_2340delTA).
Protein change: p.Ile780fs; shifts the reading frame from isoleucine 780.
Molecular consequence: frameshift variant.
Genome position (GRCh38, 1-based): chr17:61,743,052-61,743,053, TA deleted on the plus strand (TA on the coding strand, the reverse complement: BRIP1 is on the minus strand); deleting any 2 consecutive bases within chr17:61,743,052-61,743,054 gives the same sequence; the c. name uses the placement nearest the transcript's 3' end. VCF-style (leftmost placement, unchanged base first): chr17-61743051-TTA-T. GRCh37 (hg19) VCF-style: chr17-59820412-TTA-T.
Other names: short protein forms I780fs.
Identifiers: ClinVar variation 2583716 (VCV002583716.3), dbSNP rs2544826303, ClinGen allele CA2582342207.